The following is an entry in ClinVar:

ClinVar aggregate classification (germline): Uncertain significance. Review status: criteria provided, multiple submitters, no conflicts (2 of 4 stars). 3 submissions from 3 submitters: Uncertain significance (3). Last evaluated 2025-09-14.

Conditions:
Hereditary cancer-predisposing syndrome. Also called: Hereditary neoplastic syndrome; Neoplastic Syndromes, Hereditary; Hereditary Cancer Syndrome; Tumor predisposition. Identifiers: Orphanet 140162, MedGen C0027672, MeSH D009386, MONDO:0015356.
Multiple endocrine neoplasia, type 1 (MEN1). Also called: Endocrine adenomatosis multiple; MEN 1; MEA I; MEN I; WERMER SYNDROME. Identifiers: Orphanet 652, MedGen C0025267, MeSH D018761, MONDO:0007540, OMIM 131100.

Submissions (3):

Ambry Genetics
Classification: Uncertain significance for Hereditary cancer-predisposing syndrome. Last evaluated: 2025-09-14. Review status: criteria provided, single submitter. Criteria: Ambry Variant Classification Scheme 2023. Collection method: clinical testing. Allele origin: germline.
Comment: The p.L267F variant (also known as c.799C>T), located in coding exon 4 of the MEN1 gene, results from a C to T substitution at nucleotide position 799. The leucine at codon 267 is replaced by phenylalanine, an amino acid with highly similar properties. This amino acid position is conserved. In addition, this alteration is predicted to be deleterious by in silico analysis. Based on the available evidence, the clinical significance of this variant remains unclear.

Color Diagnostics, LLC DBA Color Health
Classification: Uncertain significance for Multiple endocrine neoplasia, type 1. Last evaluated: 2025-06-23. Review status: criteria provided, single submitter. Criteria: ACMG Guidelines, 2015. Collection method: clinical testing. Allele origin: germline.
Comment: This missense variant replaces leucine with phenylalanine at codon 267 of the MEN1 protein. Computational prediction suggests that this variant may have deleterious impact on protein structure and function. To our knowledge, functional studies have not been reported for this variant. This variant has not been reported in individuals affected with MEN1-related disorders in the literature. This variant has not been identified in the general population by the Genome Aggregation Database (gnomAD). The available evidence is insufficient to determine the role of this variant in disease conclusively. Therefore, this variant is classified as a Variant of Uncertain Significance.

Labcorp Genetics (formerly Invitae), Labcorp
Classification: Uncertain significance for Multiple endocrine neoplasia, type 1. Last evaluated: 2025-04-02. Review status: criteria provided, single submitter. Criteria: Invitae Variant Classification Sherloc (09022015). Collection method: clinical testing. Allele origin: germline.
Comment: This sequence change replaces leucine, which is neutral and non-polar, with phenylalanine, which is neutral and non-polar, at codon 267 of the MEN1 protein (p.Leu267Phe). This variant is not present in population databases (gnomAD no frequency). This variant has not been reported in the literature in individuals affected with MEN1-related conditions. Invitae Evidence Modeling of protein sequence and biophysical properties (such as structural, functional, and spatial information, amino acid conservation, physicochemical variation, residue mobility, and thermodynamic stability) indicates that this missense variant is expected to disrupt MEN1 protein function with a positive predictive value of 95%. In summary, the available evidence is currently insufficient to determine the role of this variant in disease. Therefore, it has been classified as a Variant of Uncertain Significance.

NM_001370259.2(MEN1):c.799C>T (p.Leu267Phe)

Gene: MEN1 (menin 1; minus strand). Cytogenetic location: 11q13.1.
Variant type: single nucleotide variant.
Coding change: c.799C>T on transcript NM_001370259.2 (MANE Select); coding-DNA position 799, C replaced by T.
Protein change: p.Leu267Phe; replaces leucine 267 with phenylalanine.
Molecular consequence: missense variant. On other transcripts: non-coding transcript variant (4).
Genome position (GRCh38, 1-based): chr11:64,807,204, G>A on the plus strand (C>T on the coding strand, the complement: MEN1 is on the minus strand). VCF-style: chr11-64807204-G-A. GRCh37 (hg19) VCF-style: chr11-64574676-G-A.
Other names: c.814C>T, p.Leu272Phe (NM_000244.4, NM_130800.3, NM_130801.3 and 5 more transcripts); c.799C>T, p.Leu267Phe (NM_001370251.2, NM_001370260.2, NM_001370261.2 and 7 more transcripts); c.694C>T, p.Leu232Phe (NM_001370262.2, NM_001370263.2, NM_001407148.1 and 2 more transcripts); short protein forms L272F, L232F, L267F.
Identifiers: ClinVar variation 4106544 (VCV004106544.3).